The following is an entry in ClinVar:

NM_001005242.3(PKP2):c.1993del (p.Leu665fs)

Gene: PKP2 (plakophilin 2; minus strand). Cytogenetic location: 12p11.21.
Variant type: Deletion.
Coding change: c.1993del on transcript NM_001005242.3 (MANE Select); coding-DNA position 1993, one base deleted (C; older notation c.1993delC).
Protein change: p.Leu665fs; shifts the reading frame from leucine 665.
Molecular consequence: frameshift variant.
Genome position (GRCh38, 1-based): chr12:32,821,376, G deleted on the plus strand (C on the coding strand, the reverse complement: PKP2 is on the minus strand); the first of 2 consecutive G bases (chr12:32,821,376-32,821,377); deleting either gives the same sequence. VCF-style (leftmost placement, unchanged base first): chr12-32821375-AG-A. GRCh37 (hg19) VCF-style: chr12-32974309-AG-A.
Other names: c.1992delC, p.Leu665Serfs (NM_001407155.1, NM_001407161.1); c.1827delC, p.Leu610Serfs (NM_001407156.1); c.2124delC, p.Leu709Serfs (NM_001407157.1); c.1665delC, p.Leu556Serfs (NM_001407158.1, NM_001407159.1, NM_001407160.1 and 1 more transcripts); c.2125del, p.Leu709fs (NM_004572.4); c.2125delC (NM_004572.3); short protein forms L665fs, L709fs.
Identifiers: ClinVar variation 1786310 (VCV001786310.3), dbSNP rs2541229274, ClinGen allele CA2580085373.

ClinVar aggregate classification (germline): Pathogenic. Review status: criteria provided, multiple submitters, no conflicts (2 of 4 stars). 2 submissions from 2 submitters: Pathogenic (2). Last evaluated 2025-04-08.

Conditions:
Cardiovascular phenotype. Identifiers: MedGen CN230736.
Arrhythmogenic right ventricular dysplasia 9 (ARVD9). Also called: Arrhythmogenic Right Ventricular Dysplasia/Cardiomyopathy 9; ARRHYTHMOGENIC RIGHT VENTRICULAR DYSPLASIA, FAMILIAL, 9. Identifiers: MedGen C1836906, MONDO:0012180, OMIM 609040.

Submissions (2):

Labcorp Genetics (formerly Invitae), Labcorp
Classification: Pathogenic for Arrhythmogenic right ventricular dysplasia 9. Last evaluated: 2025-04-08. Review status: criteria provided, single submitter. Criteria: Invitae Variant Classification Sherloc (09022015). Collection method: clinical testing. Allele origin: germline.
Comment: This sequence change creates a premature translational stop signal (p.Leu709Serfs*37) in the PKP2 gene. It is expected to result in an absent or disrupted protein product. Loss-of-function variants in PKP2 are known to be pathogenic (PMID: 15489853, 17041889, 23911551). This variant is not present in population databases (gnomAD no frequency). This variant has not been reported in the literature in individuals affected with PKP2-related conditions. ClinVar contains an entry for this variant (Variation ID: 1786310). For these reasons, this variant has been classified as Pathogenic.

Ambry Genetics
Classification: Pathogenic for Cardiovascular phenotype. Last evaluated: 2020-05-19. Review status: criteria provided, single submitter. Criteria: Ambry Variant Classification Scheme 2023. Collection method: clinical testing. Allele origin: germline.
Comment: The c.2125delC pathogenic mutation, located in coding exon 10 of the PKP2 gene, results from a deletion of one nucleotide at nucleotide position 2125, causing a translational frameshift with a predicted alternate stop codon (p.L709Sfs*37). This alteration is expected to result in loss of function by premature protein truncation or nonsense-mediated mRNA decay. As such, this alteration is interpreted as a disease-causing mutation.

Literature cited by the submitters: PubMed 15489853 (cited by Labcorp Genetics (formerly Invitae), Labcorp); PubMed 17041889 (cited by Labcorp Genetics (formerly Invitae), Labcorp); PubMed 23911551 (cited by Labcorp Genetics (formerly Invitae), Labcorp).